The following is an entry in ClinVar:

NM_004946.3(DOCK2):c.3836C>T (p.Thr1279Met)

Gene: DOCK2 (dedicator of cytokinesis 2; plus strand). Cytogenetic location: 5q35.1.
Variant type: single nucleotide variant.
Coding change: c.3836C>T on transcript NM_004946.3 (MANE Select); coding-DNA position 3836, C replaced by T.
Protein change: p.Thr1279Met; replaces threonine 1279 with methionine.
Molecular consequence: missense variant. On other transcripts: non-coding transcript variant (1).
Genome position (GRCh38, 1-based): chr5:170,042,092, C>T. VCF-style: chr5-170042092-C-T. GRCh37 (hg19) VCF-style: chr5-169469096-C-T.
Other names: c.3836C>T, p.Thr1279Met (LRG_1227t1); short protein forms T1279M.
Identifiers: ClinVar variation 542633 (VCV000542633.14), dbSNP rs145873210, ClinGen allele CA3554335.

ClinVar aggregate classification (germline): Likely benign. Review status: criteria provided, single submitter (1 of 4 stars). 2 submissions from 2 submitters: Likely benign (1). 1 of the submissions does not count toward it. Last evaluated 2025-11-02.

Conditions:
DOCK2 deficiency. Also called: Immunodeficiency 40. Identifiers: Orphanet 447737, MedGen C4225328, MONDO:0014637, OMIM 616433.
DOCK2-related disorder. Also called: DOCK2-related condition.

Allele frequency attached by ClinVar (database versions not stated): gnomAD exomes 0.00010 and 0.00024; ExAC 0.00033; gnomAD 0.00063 and 0.00066; ESP Exome Variant Server 0.00077; TOPMed 0.00092; 1000 Genomes Project 0.00100; 1000 Genomes Project 30x 0.00109.
gnomAD v4.1: 249 of 1,613,348 alleles (0.015%); highest among the groups gnomAD compares: African/African-American, 0.18%; no homozygotes.

Submissions (2):

Labcorp Genetics (formerly Invitae), Labcorp
Classification: Likely benign for DOCK2 deficiency. Last evaluated: 2025-11-02. Review status: criteria provided, single submitter. Criteria: Invitae Variant Classification Sherloc (09022015). Collection method: clinical testing. Allele origin: germline.

PreventionGenetics, part of Exact Sciences
Classification: Likely benign for DOCK2-related condition. Last evaluated: 2023-09-29. Review status: no assertion criteria provided. Collection method: clinical testing. Allele origin: germline. Not counted in ClinVar's aggregate classification.
Comment: This variant is classified as likely benign based on ACMG/AMP sequence variant interpretation guidelines (Richards et al. 2015 PMID: 25741868, with internal and published modifications).